The following is an entry in ClinVar:

ClinVar aggregate classification (germline): Conflicting classifications of pathogenicity. Review status: criteria provided, conflicting classifications (1 of 4 stars). 14 submissions from 14 submitters: Uncertain significance (2); Benign (1); Likely benign (10). 1 of the submissions does not count toward it. Last evaluated 2026-02-01.

Conditions:
TMPO-related disorder. Also called: TMPO-related condition.
Amyloidosis. Also called: Amyloid deposition. Identifiers: Orphanet 69, MedGen C0002726, MONDO:0019065, HP:0011034.
Arrhythmogenic right ventricular cardiomyopathy (ARVD). Also called: Arrhythmogenic cardiomyopathy; Arrhythmogenic Right Ventricular Cardiomyopathy (ARVC); Cardiomyopathy, ARVC; Arrhythmogenic right ventricular dysplasia. Identifiers: Orphanet 247, MedGen C0349788, MeSH D019571, MONDO:0016587. Disease mechanism: loss of function. Inheritance: Various modes of inheritance.
Dilated cardiomyopathy 1T. Identifiers: Orphanet 154, MedGen C3151039.
Loeys-Dietz syndrome 2 (LDS2). Also called: AORTIC ANEURYSM, FAMILIAL THORACIC 3; MARFAN SYNDROME, TYPE II; Marfan Syndrome type 2; Marfan like connective tissue disorder; MFS 2; Marfan syndrome, type 2 (formerly). Identifiers: Orphanet 284973, Orphanet 558, MedGen C2674574, MONDO:0012427, OMIM 610168.
Primary dilated cardiomyopathy (DCM). Also called: Dilated Cardiomyopathy. Identifiers: Orphanet 217604, MedGen C0007193, MeSH D002311, MONDO:0005021, HP:0001644. Inheritance: Various modes of inheritance.

Allele frequency attached by ClinVar (database versions not stated): 1000 Genomes Project 30x 0.00016; 1000 Genomes Project 0.00020; ESP Exome Variant Server 0.00108; TOPMed 0.00117; gnomAD exomes 0.00125 and 0.00180; gnomAD 0.00135 and 0.00142; ExAC 0.00142.

Submissions (14):

Labcorp Genetics (formerly Invitae), Labcorp
Classification: Likely benign for Loeys-Dietz syndrome 2. Last evaluated: 2026-02-01. Review status: criteria provided, single submitter. Criteria: Invitae Variant Classification Sherloc (09022015). Collection method: clinical testing. Allele origin: germline.

Blueprint Genetics
Classification: Likely benign. Last evaluated: 2024-11-08. Review status: criteria provided, single submitter. Criteria: ACMG Guidelines, 2015. Collection method: clinical testing. Allele origin: germline.

CeGaT Center for Human Genetics Tuebingen
Classification: Likely benign. Last evaluated: 2024-05-01. Review status: criteria provided, single submitter. Criteria: CeGaT Center For Human Genetics Tuebingen Variant Classification Criteria Version 2. Collection method: clinical testing. Allele origin: germline. Affected: yes. Observed: 1 variant allele.
Comment: TMPO: BP4, BS1

GeneDx
Classification: Likely benign. Last evaluated: 2022-02-15. Review status: criteria provided, single submitter. Criteria: GeneDx Variant Classification Process June 2021. Collection method: clinical testing. Allele origin: germline. Affected: yes.
Comment: This variant is associated with the following publications: (PMID: 24375709, 23861362, 28074886)

Women's Health and Genetics/Laboratory Corporation of America, LabCorp
Classification: Likely benign. Last evaluated: 2022-02-12. Review status: criteria provided, single submitter. Criteria: LabCorp Variant Classification Summary - May 2015. Collection method: clinical testing. Allele origin: germline.

ARUP Laboratories, Molecular Genetics and Genomics, ARUP Laboratories
Classification: Likely benign. Last evaluated: 2019-10-02. Review status: criteria provided, single submitter. Criteria: ARUP Molecular Germline Variant Investigation Process. Collection method: clinical testing. Allele origin: germline.

Ambry Genetics
Classification: Likely benign. Last evaluated: 2018-11-12. Review status: criteria provided, single submitter. Criteria: Ambry Variant Classification Scheme 2023. Collection method: clinical testing. Allele origin: germline.

Center for Advanced Laboratory Medicine, UC San Diego Health, University of California San Diego
Classification: Benign for Amyloidosis; Arrhythmogenic right ventricular cardiomyopathy. Last evaluated: 2018-07-13. Review status: criteria provided, single submitter. Criteria: ACMG Guidelines, 2015. Collection method: clinical testing. Allele origin: germline. Affected: yes. Observed: 2 variant alleles.

Phosphorus, Inc.
Classification: Uncertain significance for Primary dilated cardiomyopathy. Last evaluated: 2017-08-01. Review status: criteria provided, single submitter. Criteria: ACMG Guidelines, 2015. Collection method: clinical testing. Allele origin: germline. Observed: 1 variant allele.

Genome Diagnostics Laboratory, University Medical Center Utrecht
Classification: Likely benign for Dilated cardiomyopathy 1A. Last evaluated: 2016-05-26. Review status: criteria provided, single submitter. Criteria: ACGS Guidelines, 2013. Collection method: clinical testing. Allele origin: germline. Affected: yes. Study: VKGL Data-share Consensus.

Clinical Genetics DNA and cytogenetics Diagnostics Lab, Erasmus MC, Erasmus Medical Center
Classification: Likely benign for Dilated cardiomyopathy 1A. Last evaluated: 2015-09-21. Review status: criteria provided, single submitter. Criteria: ACGS Guidelines, 2013. Collection method: clinical testing. Allele origin: germline. Affected: yes. Study: VKGL Data-share Consensus.

Stanford Center for Inherited Cardiovascular Disease, Stanford University
Classification: Uncertain significance. Last evaluated: 2014-03-20. Review status: criteria provided, single submitter. Criteria: ACMG Guidelines, 2015. Collection method: provider interpretation. Allele origin: germline.

Biesecker Lab/Clinical Genomics Section, National Institutes of Health
Classification: Likely benign. Last evaluated: 2013-06-24. Review status: criteria provided, single submitter. Criteria: Ng et al. (Circ Cardiovasc Genet. 2013). Collection method: research. Allele origin: unknown. Observed: 2 variant alleles. Study: ClinSeq.
Comment: The study set was not selected for affection status in relation to any cancer. Pathogenicity categories were based on literature curation. See Pubmed ID:23861362 for details.

Medical sequencing

PreventionGenetics, part of Exact Sciences
Classification: Likely benign for TMPO-related condition. Last evaluated: 2021-02-03. Review status: no assertion criteria provided. Collection method: clinical testing. Allele origin: germline. Not counted in ClinVar's aggregate classification.
Comment: This variant is classified as likely benign based on ACMG/AMP sequence variant interpretation guidelines (Richards et al. 2015 PMID: 25741868, with internal and published modifications).

Literature cited by the submitters: PubMed 23861362 (cited by 3 submitters); PubMed 24448499 (cited by Women's Health and Genetics/Laboratory Corporation of America, LabCorp); PubMed 24375709 (cited by Ambry Genetics and Phosphorus, Inc.); PubMed 28074886 (cited by Ambry Genetics); PubMed 30327538 (cited by Ambry Genetics).

NM_001032283.3(TMPO):c.565+1696C>T

Gene: TMPO (thymopoietin; plus strand). Cytogenetic location: 12q23.1.
Variant type: single nucleotide variant.
Coding change: c.565+1696C>T on transcript NM_001032283.3 (MANE Select); 1696 bases into the intron after coding-DNA position 565, C replaced by T.
Molecular consequence: intron variant. On other transcripts: missense variant (1).
Genome position (GRCh38, 1-based): chr12:98,533,534, C>T. VCF-style: chr12-98533534-C-T. GRCh37 (hg19) VCF-style: chr12-98927312-C-T.
Other names: c.1277C>T, p.Pro426Leu (NM_003276.2); c.565+1696C>T (NM_001307975.2, NM_001032284.3); short protein forms P426L.
Identifiers: ClinVar variation 192133 (VCV000192133.50), dbSNP rs141443652, ClinGen allele CA238435.
Genomic context (GRCh38, chr12:98,533,534, plus strand): 5'-AAAACATACAGAAGAGAATTGATCAGTCTAAGTTTCAAGAAACTGAATTCCTGTCTCCTC[C>T]AAGAAAAGTCCCTAGACTGAGTGAGAAGTCAGTGGAGGAAAGGGATTCAGGTTCCTTTGT-3'